The following is an entry in ClinVar:

NM_001195263.2(PDZD7):c.292G>A (p.Gly98Ser)

Gene: PDZD7 (PDZ domain containing 7; minus strand). Cytogenetic location: 10q24.31.
Variant type: single nucleotide variant.
Coding change: c.292G>A on transcript NM_001195263.2 (MANE Select); coding-DNA position 292, G replaced by A.
Protein change: p.Gly98Ser; replaces glycine 98 with serine.
Molecular consequence: missense variant.
Genome position (GRCh38, 1-based): chr10:101,024,003, C>T on the plus strand (G>A on the coding strand, the complement: PDZD7 is on the minus strand). VCF-style: chr10-101024003-C-T. GRCh37 (hg19) VCF-style: chr10-102783760-C-T.
Other names: c.292G>A, p.Gly98Ser (NM_001351044.2, NM_024895.5); short protein forms G98S.
Identifiers: ClinVar variation 933264 (VCV000933264.11), dbSNP rs150772666, ClinGen allele CA5654454.

ClinVar aggregate classification (germline): Uncertain significance. Review status: criteria provided, multiple submitters, no conflicts (2 of 4 stars). 3 submissions from 3 submitters: Uncertain significance (3). Last evaluated 2025-07-30.

Conditions:
PDZD7-related disorder. Also called: PDZD7-related disorders; PDZD7-related condition.

Allele frequency attached by ClinVar (database versions not stated): gnomAD 0.00003; gnomAD exomes 0.00003 and 0.00006; ExAC 0.00007; ESP Exome Variant Server 0.00008; TOPMed 0.00008.

Submissions (3):

PreventionGenetics, part of Exact Sciences
Classification: Uncertain significance for PDZD7-related condition. Last evaluated: 2025-07-30. Review status: criteria provided, single submitter. Criteria: ACMG Guidelines, 2015. Collection method: clinical testing. Allele origin: germline.
Comment: The PDZD7 c.292G>A variant is predicted to result in the amino acid substitution p.Gly98Ser. To our knowledge, this variant has not been reported in the literature. This variant is reported in 0.012% of alleles in individuals of European (Non-Finnish) descent in gnomAD. At this time, the clinical significance of this variant is uncertain due to the absence of conclusive functional and genetic evidence.

Labcorp Genetics (formerly Invitae), Labcorp
Classification: Uncertain significance. Last evaluated: 2025-01-06. Review status: criteria provided, single submitter. Criteria: Invitae Variant Classification Sherloc (09022015). Collection method: clinical testing. Allele origin: germline.
Comment: This sequence change replaces glycine, which is neutral and non-polar, with serine, which is neutral and polar, at codon 98 of the PDZD7 protein (p.Gly98Ser). This variant is present in population databases (rs150772666, gnomAD 0.01%). This variant has not been reported in the literature in individuals affected with PDZD7-related conditions. ClinVar contains an entry for this variant (Variation ID: 933264). Invitae Evidence Modeling of protein sequence and biophysical properties (such as structural, functional, and spatial information, amino acid conservation, physicochemical variation, residue mobility, and thermodynamic stability) has been performed for this missense variant. However, the output from this modeling did not meet the statistical confidence thresholds required to predict the impact of this variant on PDZD7 protein function. In summary, the available evidence is currently insufficient to determine the role of this variant in disease. Therefore, it has been classified as a Variant of Uncertain Significance.

Blueprint Genetics
Classification: Uncertain significance. Last evaluated: 2023-12-04. Review status: criteria provided, single submitter. Criteria: ACMG Guidelines, 2015. Collection method: clinical testing. Allele origin: germline.